The following is an entry in ClinVar:

NM_007294.4(BRCA1):c.65T>A (p.Leu22Ter)

Gene: BRCA1 (BRCA1 DNA repair associated; minus strand). Cytogenetic location: 17q21.31.
Variant type: single nucleotide variant.
Coding change: c.65T>A on transcript NM_007294.4 (MANE Select); coding-DNA position 65, T replaced by A.
Protein change: p.Leu22Ter; replaces leucine 22 with a stop codon.
Molecular consequence: nonsense. On other transcripts: 5 prime UTR variant (1), non-coding transcript variant (1).
Genome position (GRCh38, 1-based): chr17:43,124,032, A>T on the plus strand (T>A on the coding strand, the complement: BRCA1 is on the minus strand). VCF-style: chr17-43124032-A-T. GRCh37 (hg19) VCF-style: chr17-41276049-A-T.
Other names: c.-124T>A (NM_001407571.1, NM_001407853.1, NM_001407879.1 and 46 more transcripts); c.65T>A, p.Leu22Ter (NM_001407581.1, NM_001407582.1, NM_001407583.1 and 193 more transcripts); c.-193T>A (NM_001407694.1, NM_001407724.1, NM_001407727.1 and 11 more transcripts); c.-197T>A (NM_001407695.1, NM_001408465.1); c.-338T>A (NM_001407696.1); c.-222T>A (NM_001407697.1, NM_001407846.1, NM_001407920.1); c.-23T>A (NM_001407698.1, NM_001407732.1, NM_001407736.1 and 23 more transcripts); c.-196T>A (NM_001407725.1, NM_001407730.1, NM_001407734.1 and 22 more transcripts); and 8 more; short protein forms L22*.
Identifiers: ClinVar variation 252428 (VCV000252428.6), dbSNP rs80357438, ClinGen allele CA10585945.

ClinVar aggregate classification (germline): Pathogenic. Review status: reviewed by expert panel (3 of 4 stars). 2 submissions from 2 submitters: Pathogenic (1). 1 of the submissions does not count toward it. Last evaluated 2017-12-15.

Conditions:
Ovarian cancer. Also called: OVARIAN CANCER, SOMATIC. Identifiers: Orphanet 213500, MedGen C1140680, MONDO:0008170, OMIM 167000.
Breast-ovarian cancer, familial, susceptibility to, 1 (BROVCA1). Also called: BRCA1 Hereditary Breast and Ovarian Cancer; OVARIAN CANCER, SUSCEPTIBILITY TO. Identifiers: Orphanet 145, MedGen C2676676, MONDO:0011450, OMIM 604370. Disease mechanism: loss of function.

Submissions (3):

Evidence-based Network for the Interpretation of Germline Mutant Alleles (ENIGMA)
Classification: Pathogenic for Breast-ovarian cancer, familial, susceptibility to, 1. Last evaluated: 2017-12-15. Review status: reviewed by expert panel. Criteria: ENIGMA BRCA1/2 Classification Criteria (2017-06-29). Collection method: curation. Allele origin: germline. Study: ENIGMA.
Comment: Variant allele predicted to encode a truncated non-functional protein.

GeneKor MSA
Classification: Pathogenic for Ovarian cancer. Last evaluated: 2020-01-01. Review status: criteria provided, single submitter. Criteria: ACMG Guidelines, 2015. Collection method: clinical testing. Allele origin: germline. Affected: yes. Not counted in ClinVar's aggregate classification.
Comment: This variant is a single amino acid change from Leucine to a Termination codon at amino acid residue 22 of the BRCA1 gene. It results in a truncated non-functional protein. Truncating variants in the BRCA1 gene are known to be pathogenic. The mutation database ClinVar contains entries for this variant (Variation ID: 252428).

Brotman Baty Institute, University of Washington
No classification provided (evidence only). Condition: Breast-ovarian cancer, familial 1. Review status: no classification provided. Collection method: in vitro. Allele origin: not applicable. Functional consequence: functionally_abnormal. Not counted in ClinVar's aggregate classification.
ClinVar note: "not provided" was previously submitted as the classification for the variant. However, the classification appeared to be based only on an observation of functional data so it was converted to no classification on 2025-07-30.